The following is an entry in ClinVar:

NM_002291.3(LAMB1):c.1417G>A (p.Asp473Asn)

Gene: LAMB1 (laminin subunit beta 1; minus strand). Cytogenetic location: 7q31.1.
Variant type: single nucleotide variant.
Coding change: c.1417G>A on transcript NM_002291.3 (MANE Select); coding-DNA position 1417, G replaced by A.
Protein change: p.Asp473Asn; replaces aspartic acid 473 with asparagine.
Molecular consequence: missense variant.
Genome position (GRCh38, 1-based): chr7:107,975,051, C>T on the plus strand (G>A on the coding strand, the complement: LAMB1 is on the minus strand). VCF-style: chr7-107975051-C-T. GRCh37 (hg19) VCF-style: chr7-107615496-C-T.
Other names: short protein forms D473N.
Identifiers: ClinVar variation 2878383 (VCV002878383.3), dbSNP rs2535484551, ClinGen allele CA368876542.
Genomic context (GRCh38, chr7:107,975,051, plus strand): 5'-ACTGGTCACAATGCTGTCCTGTCACCAGACGCTTGCAGTAGCAGTGACCTGTCTCGGAAT[C>T]ACAAGGATTCCCTCCAGGAATTGTTCCCAGAGGATTGCAAGCACAAGCTGTATTAAAACA-3'
Protein context (NP_002282.2, residues 463-483): LGTIPGGNPC[Asp473Asn]SETGHCYCKR

ClinVar aggregate classification (germline): Uncertain significance (1 of 4 stars; one submission).

Allele frequency attached by ClinVar (database versions not stated): gnomAD exomes below 0.00001.
gnomAD v4.1: 1 of 1,613,606 alleles (0.000062%); highest among the groups gnomAD compares: Admixed American, 0.0017%; no homozygotes.

Submission:

Labcorp Genetics (formerly Invitae), Labcorp
Classification: Uncertain significance. Last evaluated: 2023-09-10. Review status: criteria provided, single submitter. Criteria: Invitae Variant Classification Sherloc (09022015). Collection method: clinical testing. Allele origin: germline.
Comment: In summary, the available evidence is currently insufficient to determine the role of this variant in disease. Therefore, it has been classified as a Variant of Uncertain Significance. An algorithm developed to predict the effect of missense changes on protein structure and function (PolyPhen-2) suggests that this variant is likely to be disruptive. This sequence change replaces aspartic acid, which is acidic and polar, with asparagine, which is neutral and polar, at codon 473 of the LAMB1 protein (p.Asp473Asn). This variant is not present in population databases (gnomAD no frequency). This variant has not been reported in the literature in individuals affected with LAMB1-related conditions.